The following is an entry in ClinVar:

NR_003051.4(RMRP):n.141A>G

Gene: RMRP (RNA component of mitochondrial RNA processing endoribonuclease; minus strand). Cytogenetic location: 9p13.3.
Variant type: single nucleotide variant.
Genome position: GRCh38 VCF-style: chr9-35657879-T-C. GRCh37 (hg19) VCF-style: chr9-35657876-T-C.
Identifiers: ClinVar variation 440241 (VCV000440241.45), dbSNP rs578091934, ClinGen allele CA5045837.

ClinVar aggregate classification (germline): Conflicting classifications of pathogenicity. Review status: criteria provided, conflicting classifications (1 of 4 stars). 7 submissions from 7 submitters: Uncertain significance (2); Likely benign (4). 1 of the submissions does not count toward it. Last evaluated 2026-01-20.

Conditions:
RMRP-related disorder. Also called: RMRP-related condition.
Anauxetic dysplasia. Identifiers: Orphanet 93347, MedGen C1846796, MONDO:0011773.

Allele frequency attached by ClinVar (database versions not stated): gnomAD 0.00042 and 0.00046; TOPMed 0.00049; gnomAD exomes 0.00053; 1000 Genomes Project 0.00120; 1000 Genomes Project 30x 0.00141; ExAC 0.00167.
gnomAD v4.1: 274 of 694,698 alleles (0.039%); highest among the groups gnomAD compares: South Asian, 0.2%; 2 homozygotes.

Submissions (7):

Labcorp Genetics (formerly Invitae), Labcorp
Classification: Likely benign for Anauxetic dysplasia. Last evaluated: 2026-01-20. Review status: criteria provided, single submitter. Criteria: Invitae Variant Classification Sherloc (09022015). Collection method: clinical testing. Allele origin: germline.

Blueprint Genetics
Classification: Uncertain significance. Last evaluated: 2024-11-27. Review status: criteria provided, single submitter. Criteria: ACMG Guidelines, 2015. Collection method: clinical testing. Allele origin: germline.

CeGaT Center for Human Genetics Tuebingen
Classification: Likely benign. Last evaluated: 2023-12-01. Review status: criteria provided, single submitter. Criteria: CeGaT Center For Human Genetics Tuebingen Variant Classification Criteria Version 2. Collection method: clinical testing. Allele origin: germline. Affected: yes. Observed: 1 variant allele.
Comment: RMRP: BS2

Women's Health and Genetics/Laboratory Corporation of America, LabCorp
Classification: Likely benign. Last evaluated: 2022-12-22. Review status: criteria provided, single submitter. Criteria: LabCorp Variant Classification Summary - May 2015. Collection method: clinical testing. Allele origin: germline.
Comment: Variant summary: RMRP n.140A>G (legacy name 139A>G) alters a non-conserved nucleotide in a non-coding RNA gene. In addition, predictive analysis based on RNA secondary structure conformation indicates that this nucleotide does not participate in base pairing, therefore, the likelihood of pathogenicity is expected to be low (PMID 17489853, 21956908). The variant allele was found at a frequency of 0.00046 in 272286 control chromosomes (gnomAD v2.1 and v3 (non-v2) datasets), predominantly at a frequency of 0.0021 within the South Asian subpopulation, including 1 homozygote. Though this frequency is not higher than the estimated maximum expected for a pathogenic variant in RMRP causing Cartilage-Hair Hypoplasia (0.0072), the relatively high frequency together with a homozygous occurrence suggests that the variant is likely a benign polymorphism. To our knowledge, no occurrence of n.140A>G in individuals affected with Cartilage-Hair Hypoplasia and no experimental evidence demonstrating its impact on protein function have been reported. Three clinical diagnostic laboratories have submitted clinical-significance assessments for this variant to ClinVar after 2014 without evidence for independent evaluation, and classified the variant as VUS (n=1), or likely benign (n=2). Based on the evidence outlined above, the variant was classified as likely benign.

GeneDx
Classification: Likely benign. Last evaluated: 2017-10-11. Review status: criteria provided, single submitter. Criteria: GeneDx Variant Classification (06012015). Collection method: clinical testing. Allele origin: germline. Affected: yes.
Comment: This variant is considered likely benign or benign based on one or more of the following criteria: it is a conservative change, it occurs at a poorly conserved position in the protein, it is predicted to be benign by multiple in silico algorithms, and/or has population frequency not consistent with disease.

ARUP Laboratories, Molecular Genetics and Genomics, ARUP Laboratories
Classification: Uncertain significance. Last evaluated: 2017-04-17. Review status: criteria provided, single submitter. Criteria: ARUP Molecular Germline Variant Investigation Process. Collection method: clinical testing. Allele origin: germline.

PreventionGenetics, part of Exact Sciences
Classification: Likely benign for RMRP-related condition. Last evaluated: 2023-09-14. Review status: no assertion criteria provided. Collection method: clinical testing. Allele origin: germline. Not counted in ClinVar's aggregate classification.
Comment: This variant is classified as likely benign based on ACMG/AMP sequence variant interpretation guidelines (Richards et al. 2015 PMID: 25741868, with internal and published modifications).